The following is an entry in ClinVar:

NM_000256.3(MYBPC3):c.887G>C (p.Ser296Thr)

Gene: MYBPC3 (myosin binding protein C3; minus strand). Cytogenetic location: 11p11.2.
Variant type: single nucleotide variant.
Coding change: c.887G>C on transcript NM_000256.3 (MANE Select); coding-DNA position 887, G replaced by C.
Protein change: p.Ser296Thr; replaces serine 296 with threonine.
Molecular consequence: missense variant.
Genome position (GRCh38, 1-based): chr11:47,347,444, C>G on the plus strand (G>C on the coding strand, the complement: MYBPC3 is on the minus strand). VCF-style: chr11-47347444-C-G. GRCh37 (hg19) VCF-style: chr11-47368995-C-G.
Other names: short protein forms S296T.
Identifiers: ClinVar variation 3069837 (VCV003069837.1), dbSNP rs1595848305, ClinGen allele CA380333253.
Genomic context (GRCh38, chr11:47,347,444, plus strand): 5'-AGGCCTCACCAGCTGCCCCAGGAACTGCCACCCAGGACTCACCTCTTTTTCAGCAGTGAG[C>G]TGAAGTCCAGAATCCCAGTGTCCTCATGGCTATCACTATGGAGAGGGACCCCCAGTGAGG-3'
Protein context (NP_000247.2, residues 286-306): SHEDTGILDF[Ser296Thr]SLLKKRDSFR

ClinVar aggregate classification (germline): Uncertain significance (1 of 4 stars; one submission).

Conditions:
Hypertrophic cardiomyopathy. Also called: HYPERTROPHIC MYOCARDIOPATHY. Identifiers: Orphanet 217569, MedGen C0007194, MeSH D002312, MONDO:0005045, HP:0001639.

Allele frequency attached by ClinVar (database versions not stated): TOPMed below 0.00001; gnomAD 0.00001.
gnomAD v4.1: 1 of 1,592,580 alleles (0.000063%); highest among the groups gnomAD compares: African/African-American, 0.0013%; no homozygotes.

Submission:

All of Us Research Program, National Institutes of Health
Classification: Uncertain significance for Hypertrophic cardiomyopathy. Last evaluated: 2023-03-09. Review status: criteria provided, single submitter. Criteria: ACMG Guidelines, 2015. Collection method: clinical testing. Allele origin: germline. Inheritance: Autosomal dominant inheritance. Observed: 1 variant allele, 1 heterozygote.
Comment: This missense variant replaces serine with threonine at codon 296 of the MYBPC3 protein. Computational prediction suggests that this variant may not impact protein structure and function (internally defined REVEL score threshold <= 0.5, PMID: 27666373). To our knowledge, functional studies have not been reported for this variant. This variant has not been reported in individuals affected with MYBPC3-related disorders in the literature. This variant has not been identified in the general population by the Genome Aggregation Database (gnomAD). The available evidence is insufficient to determine the role of this variant in disease conclusively. Therefore, this variant is classified as a Variant of Uncertain Significance.

This study involves interpretation of variants in research participants for the purpose of population health screening. Participant phenotype was not available at the time of variant classification. Additional details can be found in publication PMID: 35346344, PMCID: PMC8962531